The following is an entry in ClinVar:

NM_005236.3(ERCC4):c.1001C>T (p.Ser334Leu)

Gene: ERCC4 (ERCC excision repair 4, endonuclease catalytic subunit; plus strand). Cytogenetic location: 16p13.12.
Variant type: single nucleotide variant.
Coding change: c.1001C>T on transcript NM_005236.3 (MANE Select); coding-DNA position 1001, C replaced by T.
Protein change: p.Ser334Leu; replaces serine 334 with leucine.
Molecular consequence: missense variant.
Genome position (GRCh38, 1-based): chr16:13,932,184, C>T. VCF-style: chr16-13932184-C-T. GRCh37 (hg19) VCF-style: chr16-14026041-C-T.
Other names: short protein forms S334L.
Identifiers: ClinVar variation 810700 (VCV000810700.52), dbSNP rs750883282, ClinGen allele CA7910337.

ClinVar aggregate classification (germline): Uncertain significance. Review status: criteria provided, multiple submitters, no conflicts (2 of 4 stars). 4 submissions from 4 submitters: Uncertain significance (4). Last evaluated 2023-12-18.

Conditions:
Cockayne syndrome. Identifiers: Orphanet 191, MedGen C0009207, MONDO:0016006.
Fanconi anemia complementation group Q. Identifiers: Orphanet 84, MedGen C3808988, MONDO:0014108, OMIM 615272.
Xeroderma pigmentosum, group F (XPF). Also called: ERCC4-Related Xeroderma Pigmentosum; XERODERMA PIGMENTOSUM, COMPLEMENTATION GROUP F; XERODERMA PIGMENTOSUM, TYPE F; Xeroderma pigmentosum, type 6; XERODERMA PIGMENTOSUM VI; XP, GROUP F. Identifiers: MedGen C0268140, MONDO:0010215, OMIM 278760.
Inborn genetic diseases. Identifiers: MedGen C0950123, MeSH D030342.

Allele frequency attached by ClinVar (database versions not stated): gnomAD 0.00005 and 0.00006; TOPMed 0.00005; gnomAD exomes 0.00006 and 0.00016; ExAC 0.00014.

Submissions (4):

Labcorp Genetics (formerly Invitae), Labcorp
Classification: Uncertain significance for Fanconi anemia complementation group Q; Xeroderma pigmentosum, group F; Cockayne syndrome. Last evaluated: 2023-12-18. Review status: criteria provided, single submitter. Criteria: Invitae Variant Classification Sherloc (09022015). Collection method: clinical testing. Allele origin: germline.
Comment: This sequence change replaces serine, which is neutral and polar, with leucine, which is neutral and non-polar, at codon 334 of the ERCC4 protein (p.Ser334Leu). This variant is present in population databases (rs750883282, gnomAD 0.08%). This variant has not been reported in the literature in individuals affected with ERCC4-related conditions. ClinVar contains an entry for this variant (Variation ID: 810700). Advanced modeling of protein sequence and biophysical properties (such as structural, functional, and spatial information, amino acid conservation, physicochemical variation, residue mobility, and thermodynamic stability) performed at Invitae indicates that this missense variant is not expected to disrupt ERCC4 protein function with a negative predictive value of 80%. In summary, the available evidence is currently insufficient to determine the role of this variant in disease. Therefore, it has been classified as a Variant of Uncertain Significance.

Ambry Genetics
Classification: Uncertain significance for Inborn genetic diseases. Last evaluated: 2021-09-17. Review status: criteria provided, single submitter. Criteria: Ambry Variant Classification Scheme 2023. Collection method: clinical testing. Allele origin: germline.

Genetic Services Laboratory, University of Chicago
Classification: Uncertain significance. Last evaluated: 2019-10-08. Review status: criteria provided, single submitter. Criteria: ACMG Guidelines, 2015. Collection method: clinical testing. Allele origin: germline. Affected: no.

CeGaT Center for Human Genetics Tuebingen
Classification: Uncertain significance. Last evaluated: 2016-06-01. Review status: criteria provided, single submitter. Criteria: CeGaT Center For Human Genetics Tuebingen Variant Classification Criteria Version 2. Collection method: clinical testing. Allele origin: germline. Affected: yes. Observed: 1 variant allele.